The following is an entry in ClinVar:

ClinVar aggregate classification (germline): Uncertain significance. Review status: criteria provided, multiple submitters, no conflicts (2 of 4 stars). 2 submissions from 2 submitters: Uncertain significance (2). Last evaluated 2026-02-09.

Conditions:
Kabuki syndrome. Also called: NIIKAWA-KUROKI SYNDROME; Kabuki make-up syndrome. Identifiers: Orphanet 2322, MedGen C0796004, MONDO:0016512.

Submissions (2):

Dasa
Classification: Uncertain significance. Last evaluated: 2026-02-09. Review status: criteria provided, single submitter. Criteria: DASA Assertion Criteria. Collection method: clinical testing. Allele origin: germline.
Comment: NM_003482.4(KMT2D):c.9784A>G (p.Lys3262Glu) is a missense variant that results in the substitution of lysine with glutamic acid. This variant is rare in population databases. The currently available literature and clinical evidence are not sufficient to establish a definitive association between this variant and the reported condition. Therefore, this variant is classified as a variant of uncertain significance.

Labcorp Genetics (formerly Invitae), Labcorp
Classification: Uncertain significance for Kabuki syndrome. Last evaluated: 2025-09-09. Review status: criteria provided, single submitter. Criteria: Invitae Variant Classification Sherloc (09022015). Collection method: clinical testing. Allele origin: germline.
Comment: This sequence change replaces lysine, which is basic and polar, with glutamic acid, which is acidic and polar, at codon 3262 of the KMT2D protein (p.Lys3262Glu). This variant is not present in population databases (gnomAD no frequency). This variant has not been reported in the literature in individuals affected with KMT2D-related conditions. ClinVar contains an entry for this variant (Variation ID: 1932831). Invitae Evidence Modeling of protein sequence and biophysical properties (such as structural, functional, and spatial information, amino acid conservation, physicochemical variation, residue mobility, and thermodynamic stability) indicates that this missense variant is not expected to disrupt KMT2D protein function with a negative predictive value of 95%. In summary, the available evidence is currently insufficient to determine the role of this variant in disease. Therefore, it has been classified as a Variant of Uncertain Significance.

NM_003482.4(KMT2D):c.9784A>G (p.Lys3262Glu)

Gene: KMT2D (lysine methyltransferase 2D; minus strand). Cytogenetic location: 12q13.12.
Variant type: single nucleotide variant.
Coding change: c.9784A>G on transcript NM_003482.4 (MANE Select); coding-DNA position 9784, A replaced by G.
Protein change: p.Lys3262Glu; replaces lysine 3262 with glutamic acid.
Molecular consequence: missense variant.
Genome position (GRCh38, 1-based): chr12:49,037,572, T>C on the plus strand (A>G on the coding strand, the complement: KMT2D is on the minus strand). VCF-style: chr12-49037572-T-C. GRCh37 (hg19) VCF-style: chr12-49431355-T-C.
Other names: short protein forms K3262E.
Identifiers: ClinVar variation 1932831 (VCV001932831.7), dbSNP rs1253896984, ClinGen allele CA384736264.
Genomic context (GRCh38, chr12:49,037,572, plus strand): 5'-GCTGCTGCTGTTGCTGCTGCTGCTGGGCAGGCTGCAACTGTGCTGAAAGCTGCTGCTTCT[T>C]CTGCAGCTCCTTCTTCTCATGCTCCAACAGGTCCTCAATGAGCAGGGGTAACTCGCTGGC-3'
Protein context (NP_003473.3, residues 3252-3272): LLEHEKKELQ[Lys3262Glu]KQQLSAQLQP